The following is an entry in ClinVar:

NM_014989.7(RIMS1):c.3661T>G (p.Ser1221Ala)

Gene: RIMS1 (regulating synaptic membrane exocytosis 1; plus strand). Cytogenetic location: 6q13.
Variant type: single nucleotide variant.
Coding change: c.3661T>G on transcript NM_014989.7 (MANE Select); coding-DNA position 3661, T replaced by G.
Protein change: p.Ser1221Ala; replaces serine 1221 with alanine.
Molecular consequence: missense variant. On other transcripts: intron variant (56).
Genome position (GRCh38, 1-based): chr6:72,290,785, T>G. VCF-style: chr6-72290785-T-G. GRCh37 (hg19) VCF-style: chr6-73000488-T-G.
Other names: c.3661T>G (NM_014989.4); c.1735T>G, p.Ser579Ala (NM_001350420.2); c.1717T>G, p.Ser573Ala (NM_001350431.2); c.1804T>G, p.Ser602Ala (NM_001350438.2, NM_001350456.2); c.1807T>G, p.Ser603Ala (NM_001350442.2, NM_001350446.2); c.1666T>G, p.Ser556Ala (NM_001350462.2); c.1632-1149T>G (NM_001350428.2); c.1560-1149T>G (NM_001350459.2, NM_001350424.2); and 32 more; short protein forms S579A, S1221A, S602A, S603A, S556A, S573A.
Identifiers: ClinVar variation 2200670 (VCV002200670.6), dbSNP rs371070168, ClinGen allele CA3886312.

ClinVar aggregate classification (germline): Conflicting classifications of pathogenicity. Review status: criteria provided, conflicting classifications (1 of 4 stars). 3 submissions from 3 submitters: Uncertain significance (2); Likely benign (1). Last evaluated 2024-01-29.

Allele frequency attached by ClinVar (database versions not stated): gnomAD 0.00001; gnomAD exomes 0.00001; TOPMed 0.00001; ExAC 0.00002; ESP Exome Variant Server 0.00008.
gnomAD v4.1: 9 of 1,613,666 alleles (0.00056%); highest among the groups gnomAD compares: Non-Finnish European, 0.00076%; no homozygotes.

Submissions (3):

Labcorp Genetics (formerly Invitae), Labcorp
Classification: Uncertain significance. Last evaluated: 2024-01-29. Review status: criteria provided, single submitter. Criteria: Invitae Variant Classification Sherloc (09022015). Collection method: clinical testing. Allele origin: germline.
Comment: This sequence change replaces serine, which is neutral and polar, with alanine, which is neutral and non-polar, at codon 1221 of the RIMS1 protein (p.Ser1221Ala). This variant is present in population databases (rs371070168, gnomAD 0.005%). This variant has not been reported in the literature in individuals affected with RIMS1-related conditions. ClinVar contains an entry for this variant (Variation ID: 2200670). An algorithm developed to predict the effect of missense changes on protein structure and function (PolyPhen-2) suggests that this variant is likely to be tolerated. In summary, the available evidence is currently insufficient to determine the role of this variant in disease. Therefore, it has been classified as a Variant of Uncertain Significance.

Ambry Genetics
Classification: Uncertain significance. Last evaluated: 2022-06-27. Review status: criteria provided, single submitter. Criteria: Ambry Variant Classification Scheme 2023. Collection method: clinical testing. Allele origin: germline.

Blueprint Genetics
Classification: Likely benign. Last evaluated: 2019-09-24. Review status: criteria provided, single submitter. Criteria: ACMG Guidelines, 2015. Collection method: clinical testing. Allele origin: germline.